The following is an entry in ClinVar:

NM_004370.6(COL12A1):c.3352A>G (p.Lys1118Glu)

Gene: COL12A1 (collagen type XII alpha 1 chain; minus strand). Cytogenetic location: 6q13.
Variant type: single nucleotide variant.
Coding change: c.3352A>G on transcript NM_004370.6 (MANE Select); coding-DNA position 3352, A replaced by G.
Protein change: p.Lys1118Glu; replaces lysine 1118 with glutamic acid.
Molecular consequence: missense variant. On other transcripts: intron variant (2).
Genome position (GRCh38, 1-based): chr6:75,155,753, T>C on the plus strand (A>G on the coding strand, the complement: COL12A1 is on the minus strand). VCF-style: chr6-75155753-T-C. GRCh37 (hg19) VCF-style: chr6-75865469-T-C.
Other names: p.Lys1118Glu; c.3352A>G, p.Lys1118Glu (NM_001424113.1, NM_001424114.1); c.3079A>G, p.Lys1027Glu (NM_001424115.1); c.74-3271A>G (NM_001424116.1, NM_080645.3); short protein forms K1118E, K1027E.
Identifiers: ClinVar variation 4541188 (VCV004541188.1).

ClinVar aggregate classification (germline): Uncertain significance (1 of 4 stars; one submission).

gnomAD v4.1: 1 of 1,613,724 alleles (0.000062%); no homozygotes.

Submission:

Mayo Clinic Laboratories, Mayo Clinic
Classification: Uncertain significance. Last evaluated: 2025-06-11. Review status: criteria provided, single submitter. Criteria: ACMG Guidelines, 2015. Collection method: clinical testing. Allele origin: germline. Observed: 1 variant allele.
Comment: PM2_supporting